The following is an entry in ClinVar:

NM_015662.3(IFT172):c.2925C>T (p.Ile975=)

Gene: IFT172 (intraflagellar transport 172; minus strand). Cytogenetic location: 2p23.3.
Variant type: single nucleotide variant.
Coding change: c.2925C>T on transcript NM_015662.3 (MANE Select); coding-DNA position 2925, C replaced by T.
Protein change: p.Ile975=; no amino-acid change (isoleucine 975 retained).
Molecular consequence: synonymous variant.
Genome position (GRCh38, 1-based): chr2:27,458,176, G>A on the plus strand (C>T on the coding strand, the complement: IFT172 is on the minus strand). VCF-style: chr2-27458176-G-A. GRCh37 (hg19) VCF-style: chr2-27681043-G-A.
Other names: c.2859C>T, p.Ile953= (NM_001410739.1).
Identifiers: ClinVar variation 3345051 (VCV003345051.1).

ClinVar aggregate classification (germline): Likely benign (0 of 4 stars; one submission).

Conditions:
IFT172-related disorder. Also called: IFT172-related condition; IFT172-related disorders.

Submission:

PreventionGenetics, part of Exact Sciences
Classification: Likely benign for IFT172-related condition. Last evaluated: 2024-05-03. Review status: no assertion criteria provided. Collection method: clinical testing. Allele origin: germline.
Comment: This variant is classified as likely benign based on ACMG/AMP sequence variant interpretation guidelines (Richards et al. 2015 PMID: 25741868, with internal and published modifications).